The following is an entry in ClinVar:

ClinVar aggregate classification (germline): Conflicting classifications of pathogenicity. Review status: criteria provided, conflicting classifications (1 of 4 stars). 2 submissions from 2 submitters: Uncertain significance (1); Likely benign (1). Last evaluated 2024-11-01.

Conditions:
Hereditary nonpolyposis colorectal neoplasms. Identifiers: MedGen C0009405, MeSH D003123.
Hereditary cancer-predisposing syndrome. Also called: Neoplastic Syndromes, Hereditary; Tumor predisposition; Hereditary Cancer Syndrome; Hereditary neoplastic syndrome. Identifiers: Orphanet 140162, MedGen C0027672, MeSH D009386, MONDO:0015356.

Allele frequency attached by ClinVar (database versions not stated): gnomAD exomes below 0.00001; gnomAD 0.00001.
gnomAD v4.1: 2 of 1,614,100 alleles (0.00012%); highest among the groups gnomAD compares: Non-Finnish European, 0.00017%; no homozygotes.

Submissions (2):

Ambry Genetics
Classification: Uncertain significance for Hereditary cancer-predisposing syndrome. Last evaluated: 2024-11-01. Review status: criteria provided, single submitter. Criteria: Ambry Variant Classification Scheme 2023. Collection method: clinical testing. Allele origin: germline.
Comment: The p.K246R variant (also known as c.737A>G), located in coding exon 4 of the MSH6 gene, results from an A to G substitution at nucleotide position 737. The lysine at codon 246 is replaced by arginine, an amino acid with highly similar properties. This amino acid position is well conserved in available vertebrate species. In addition, the in silico prediction for this alteration is inconclusive. In addition, the CoDP in silico tool predicts this alteration to have minor impact on molecular function, with a score of 0.002 (Terui H et al. J. Biomed. Sci. 2013 Apr;20:25). Since supporting evidence is limited at this time, the clinical significance of this alteration remains unclear.

Labcorp Genetics (formerly Invitae), Labcorp
Classification: Likely benign for Hereditary nonpolyposis colorectal neoplasms. Last evaluated: 2024-07-15. Review status: criteria provided, single submitter. Criteria: Invitae Variant Classification Sherloc (09022015). Collection method: clinical testing. Allele origin: germline.

NM_000179.3(MSH6):c.737A>G (p.Lys246Arg)

Gene: MSH6 (mutS homolog 6; plus strand). Cytogenetic location: 2p16.3.
Variant type: single nucleotide variant.
Coding change: c.737A>G on transcript NM_000179.3 (MANE Select); coding-DNA position 737, A replaced by G.
Protein change: p.Lys246Arg; replaces lysine 246 with arginine.
Molecular consequence: missense variant. On other transcripts: 5 prime UTR variant (2).
Genome position (GRCh38, 1-based): chr2:47,798,720, A>G. VCF-style: chr2-47798720-A-G. GRCh37 (hg19) VCF-style: chr2-48025859-A-G.
Other names: c.347A>G, p.Lys116Arg (NM_001281492.2); c.-170A>G (NM_001281493.2, NM_001281494.2); short protein forms K246R, K116R.
Identifiers: ClinVar variation 483834 (VCV000483834.14), dbSNP rs1297205425, ClinGen allele CA346740068.
Genomic context (GRCh38, chr2:47,798,720, plus strand): 5'-AGAGTGAAGAGGAAGTACAGCCTAAGACACAAGGATCTAGGCGAAGTAGCCGCCAAATAA[A>G]AAAACGAAGGGTCATATCAGATTCTGAGAGTGACATTGGTGGCTCTGATGTGGAATTTAA-3'
Protein context (NP_000170.1, residues 236-256): QGSRRSSRQI[Lys246Arg]KRRVISDSES